The following is an entry in ClinVar:

ClinVar aggregate classification (germline): Uncertain significance (1 of 4 stars; one submission).

Conditions:
Amyotrophic lateral sclerosis type 1 (ALS1). Also called: AMYOTROPHIC LATERAL SCLEROSIS 1, FAMILIAL. Identifiers: Orphanet 803, MedGen C1862939, MONDO:0007103, OMIM 105400.

Submission:

Labcorp Genetics (formerly Invitae), Labcorp
Classification: Uncertain significance for Amyotrophic lateral sclerosis type 1. Last evaluated: 2021-06-26. Review status: criteria provided, single submitter. Criteria: Invitae Variant Classification Sherloc (09022015). Collection method: clinical testing. Allele origin: germline.
Comment: In summary, the available evidence is currently insufficient to determine the role of this variant in disease. Therefore, it has been classified as a Variant of Uncertain Significance. Experimental studies and prediction algorithms are not available or were not evaluated, and the functional significance of this variant is currently unknown. This variant, c.143_148dup, results in the insertion of 2 amino acid(s) to the SOD1 protein (p.Val48_His49dup), but otherwise preserves the integrity of the reading frame. This variant is not present in population databases (ExAC no frequency). This variant has not been reported in the literature in individuals affected with SOD1-related conditions.

NM_000454.5(SOD1):c.143_148dup (p.Val48_His49dup)

Gene: SOD1 (superoxide dismutase 1; plus strand). Cytogenetic location: 21q22.11.
Variant type: Duplication.
Coding change: c.143_148dup on transcript NM_000454.5 (MANE Select); coding-DNA positions 143 to 148, 6 bases duplicated (TTCATG; older notation c.143_148dupTTCATG).
Protein change: p.Val48_His49dup.
Molecular consequence: inframe insertion.
Genome position (GRCh38, 1-based): chr21:31,663,860-31,663,865, TTCATG duplicated; duplicating any 6 consecutive bases within chr21:31,663,856-31,663,865 gives the same sequence; the c. name uses the placement nearest the transcript's 3' end. VCF-style (leftmost placement, unchanged base first): chr21-31663855-C-CCATGTT. GRCh37 (hg19) VCF-style: chr21-33036168-C-CCATGTT.
Identifiers: ClinVar variation 1486895 (VCV001486895.8), dbSNP rs2123431926, ClinGen allele CA2573157385.